The following is an entry in ClinVar:

ClinVar aggregate classification (germline): Benign/Likely benign. Review status: criteria provided, multiple submitters, no conflicts (2 of 4 stars). 7 submissions from 7 submitters: Benign (5); Likely benign (2). Last evaluated 2026-02-04.

Conditions:
Primary ciliary dyskinesia. Also called: Ciliary dyskinesia. Identifiers: Orphanet 244, MedGen C0008780, MONDO:0016575, HP:0012265.

Allele frequency attached by ClinVar (database versions not stated): 1000 Genomes Project 0.12919; 1000 Genomes Project 30x 0.13132; TOPMed 0.14539; ESP Exome Variant Server 0.15377.
gnomAD v4.1: 225,754 of 1,612,302 alleles (14%); highest among the groups gnomAD compares: African/African-American, 19%; 16,565 homozygotes.

Submissions (7):

Labcorp Genetics (formerly Invitae), Labcorp
Classification: Benign for Primary ciliary dyskinesia. Last evaluated: 2026-02-04. Review status: criteria provided, single submitter. Criteria: Invitae Variant Classification Sherloc (09022015). Collection method: clinical testing. Allele origin: germline.

Blueprint Genetics
Classification: Likely benign. Last evaluated: 2024-11-27. Review status: criteria provided, single submitter. Criteria: ACMG Guidelines, 2015. Collection method: clinical testing. Allele origin: germline.

Mayo Clinic Laboratories, Mayo Clinic
Classification: Benign. Last evaluated: 2022-04-26. Review status: criteria provided, single submitter. Criteria: ACMG Guidelines, 2015. Collection method: clinical testing. Allele origin: germline. Observed: 46 variant alleles.

GeneDx
Classification: Benign. Last evaluated: 2018-11-10. Review status: criteria provided, single submitter. Criteria: GeneDx Variant Classification Process June 2021. Collection method: clinical testing. Allele origin: germline. Affected: yes.

Laboratory for Molecular Medicine, Mass General Brigham Personalized Medicine
Classification: Benign. Last evaluated: 2013-02-21. Review status: criteria provided, single submitter. Criteria: LMM Criteria. Collection method: clinical testing. Allele origin: germline. Observed: 24 variant alleles.
Comment: Leu3187Leu in exon 58 of DNAH11: This variant is not expected to have clinical s ignificance because it does not alter an amino acid residue and is not located w ithin the splice consensus sequence. It has been identified in 17.7% (695/3924) of African American chromosomes from a broad population by the NHLBI Exome Seque ncing Project (dbSNP rs6965750).

Breakthrough Genomics
Classification: Likely benign. Review status: criteria provided, single submitter. Criteria: ACMG Guidelines, 2015. Collection method: not provided. Allele origin: germline. Inheritance: Autosomal recessive inheritance. Affected: yes.

PreventionGenetics, part of Exact Sciences
Classification: Benign. Review status: criteria provided, single submitter. Criteria: ACMG Guidelines, 2015. Collection method: clinical testing. Allele origin: germline.

NM_001277115.2(DNAH11):c.9561G>A (p.Leu3187=)

Gene: DNAH11 (dynein axonemal heavy chain 11; plus strand). Cytogenetic location: 7p15.3.
Variant type: single nucleotide variant.
Coding change: c.9561G>A on transcript NM_001277115.2 (MANE Select); coding-DNA position 9561, G replaced by A.
Protein change: p.Leu3187=; no amino-acid change (leucine 3187 retained).
Molecular consequence: synonymous variant.
Genome position (GRCh38, 1-based): chr7:21,784,504, G>A. VCF-style: chr7-21784504-G-A. GRCh37 (hg19) VCF-style: chr7-21824122-G-A.
Other names: p.Leu3187=.
Identifiers: ClinVar variation 178731 (VCV000178731.24), dbSNP rs6965750, ClinGen allele CA182900.
Genomic context (GRCh38, chr7:21,784,504, plus strand): 5'-TGAAGTGTTCCAGAAACAGAGAGAATGTGAAGCTGACTTACTCAAGGCTGAGCCTGCACT[G>A]GTGGCTGCTACAGCTGCACTCAATACACTCAACAGGGTAAAGATAATTTATTGGTCCCTG-3'
Protein context (NP_001264044.1, residues 3177-3197): EADLLKAEPA[Leu3187=]VAATAALNTL